The following is an entry in ClinVar:

NM_006790.3(MYOT):c.1478A>G (p.Tyr493Cys)

Genes: MYOT (myotilin; plus strand), PKD2L2-DT (PKD2L2 divergent transcript; minus strand). Cytogenetic location: 5q31.2.
Variant type: single nucleotide variant.
Coding change: c.1478A>G on transcript NM_006790.3 (MANE Select); coding-DNA position 1478, A replaced by G.
Protein change: p.Tyr493Cys; replaces tyrosine 493 with cysteine.
Molecular consequence: missense variant.
Genome position (GRCh38, 1-based): chr5:137,887,366, A>G. VCF-style: chr5-137887366-A-G. GRCh37 (hg19) VCF-style: chr5-137223055-A-G.
Other names: c.926A>G, p.Tyr309Cys (NM_001135940.2); c.1133A>G, p.Tyr378Cys (NM_001300911.2); c.1478A>G (NM_006790.2); short protein forms Y309C, Y378C, Y493C.
Identifiers: ClinVar variation 1357386 (VCV001357386.9), dbSNP rs757233743, ClinGen allele CA3423210.

ClinVar aggregate classification (germline): Uncertain significance. Review status: criteria provided, multiple submitters, no conflicts (2 of 4 stars). 2 submissions from 2 submitters: Uncertain significance (2). Last evaluated 2024-10-02.

Conditions:
Myofibrillar myopathy 3 (MFM3). Also called: Muscular dystrophy, proximal, type 1A; Autosomal dominant spheroid body myopathy. Identifiers: Orphanet 266, Orphanet 268129, MedGen C3714934, MONDO:0012215, OMIM 609200.

Allele frequency attached by ClinVar (database versions not stated): gnomAD exomes below 0.00001 and 0.00001; TOPMed below 0.00001; gnomAD 0.00001; ExAC 0.00002.
gnomAD v4.1: 11 of 1,613,896 alleles (0.00068%); highest among the groups gnomAD compares: Non-Finnish European, 0.00093%; no homozygotes.

Submissions (2):

GeneDx
Classification: Uncertain significance. Last evaluated: 2024-10-02. Review status: criteria provided, single submitter. Criteria: GeneDx Variant Classification Process June 2021. Collection method: clinical testing. Allele origin: germline. Affected: yes.
Comment: Not observed at significant frequency in large population cohorts (gnomAD); Missense variants in this gene are a common cause of disease and they are underrepresented in the general population; In silico analysis indicates that this missense variant does not alter protein structure/function; Has not been previously published as pathogenic or benign to our knowledge

Labcorp Genetics (formerly Invitae), Labcorp
Classification: Uncertain significance for Myofibrillar myopathy 3. Last evaluated: 2023-10-03. Review status: criteria provided, single submitter. Criteria: Invitae Variant Classification Sherloc (09022015). Collection method: clinical testing. Allele origin: germline.
Comment: This sequence change replaces tyrosine, which is neutral and polar, with cysteine, which is neutral and slightly polar, at codon 493 of the MYOT protein (p.Tyr493Cys). The frequency data for this variant in the population databases is considered unreliable, as metrics indicate poor data quality at this position in the gnomAD database. This missense change has been observed in individual(s) with clinical features of limb-girdle muscular dystrophy (Invitae). ClinVar contains an entry for this variant (Variation ID: 1357386). An algorithm developed to predict the effect of missense changes on protein structure and function (PolyPhen-2) suggests that this variant is likely to be disruptive. In summary, the available evidence is currently insufficient to determine the role of this variant in disease. Therefore, it has been classified as a Variant of Uncertain Significance.